The following is an entry in ClinVar:

ClinVar aggregate classification (germline): Pathogenic (1 of 4 stars; one submission).

Conditions:
Kartagener syndrome (CILD1). Also called: CILIARY DYSKINESIA, PRIMARY, 1; CILIARY DYSKINESIA, PRIMARY, 1, WITH OR WITHOUT SITUS INVERSUS; IMMOTILE CILIA SYNDROME; POLYNESIAN BRONCHIECTASIS; Dextrocardia bronchiectasis and sinusitis; SIEWERT SYNDROME. Identifiers: Orphanet 244, MedGen C4551906, MONDO:0009484, OMIM 244400.

Submission:

Myriad Genetics, Inc.
Classification: Pathogenic for Kartagener syndrome. Last evaluated: 2025-10-08. Review status: criteria provided, single submitter. Criteria: Myriad Autosomal Dominant, Autosomal Recessive and X-Linked Classification Criteria (2023). Collection method: clinical testing. Allele origin: unknown.
Comment: NM_012144.2(DNAI1):c.909delG(K303Nfs*56) is expected to be pathogenic in the context of primary ciliary dyskinesia, DNAI1-related. This variant is predicted to lead to an abnormal or absent protein product due to the creation of a premature termination codon in DNAI1, a gene where loss-of-function variants are known to be pathogenic. Please note: this variant was assessed in the context of healthy population screening.

NM_012144.4(DNAI1):c.909del (p.Lys303fs)

Gene: DNAI1 (dynein axonemal intermediate chain 1; plus strand). Cytogenetic location: 9p13.3.
Variant type: Deletion.
Coding change: c.909del on transcript NM_012144.4 (MANE Select); coding-DNA position 909, one base deleted (G; older notation c.909delG).
Protein change: p.Lys303fs; shifts the reading frame from lysine 303.
Molecular consequence: frameshift variant.
Genome position (GRCh38, 1-based): chr9:34,500,729, G deleted. VCF-style (leftmost placement, unchanged base first): chr9-34500728-AG-A. GRCh37 (hg19) VCF-style: chr9-34500726-AG-A.
Other names: c.921del, p.Lys307fs (NM_001281428.2); short protein forms K303fs, K307fs.
Identifiers: ClinVar variation 5013916 (VCV005013916.1).